The following is an entry in ClinVar:

NM_007294.4(BRCA1):c.700A>G (p.Thr234Ala)

Gene: BRCA1 (BRCA1 DNA repair associated; minus strand). Cytogenetic location: 17q21.31.
Variant type: single nucleotide variant.
Coding change: c.700A>G on transcript NM_007294.4 (MANE Select); coding-DNA position 700, A replaced by G.
Protein change: p.Thr234Ala; replaces threonine 234 with alanine.
Molecular consequence: missense variant. On other transcripts: non-coding transcript variant (1).
Genome position (GRCh38, 1-based): chr17:43,094,831, T>C on the plus strand (A>G on the coding strand, the complement: BRCA1 is on the minus strand). VCF-style: chr17-43094831-T-C. GRCh37 (hg19) VCF-style: chr17-41246848-T-C.
Other names: c.487A>G, p.Thr163Ala (NM_001407897.1, NM_001407898.1, NM_001407899.1 and 12 more transcripts); c.490A>G, p.Thr164Ala (NM_001407900.1, NM_001407902.1, NM_001407904.1 and 25 more transcripts); c.577A>G, p.Thr193Ala (NM_001407919.1, NM_001407937.1, NM_001407938.1 and 34 more transcripts); c.436A>G, p.Thr146Ala (NM_001407920.1, NM_001407921.1, NM_001407922.1 and 15 more transcripts); c.433A>G, p.Thr145Ala (NM_001407930.1, NM_001407931.1, NM_001407932.1 and 5 more transcripts); c.574A>G, p.Thr192Ala (NM_001407940.1, NM_001407941.1, NM_001408432.1 and 20 more transcripts); c.559A>G, p.Thr187Ala (NM_001407942.1, NM_001407944.1, NM_001407945.1 and 43 more transcripts); c.556A>G, p.Thr186Ala (NM_001407943.1, NM_001407964.1, NM_001408462.1 and 26 more transcripts); and 14 more; short protein forms T234A, T187A, T122A, T164A, T166A, T208A, T233A, T145A.
Identifiers: ClinVar variation 846722 (VCV000846722.17), dbSNP rs2054062966, ClinGen allele CA10600688.

ClinVar aggregate classification (germline): Conflicting classifications of pathogenicity. Review status: criteria provided, conflicting classifications (1 of 4 stars). 3 submissions from 3 submitters: Uncertain significance (2); Likely benign (1). Last evaluated 2026-01-06.

Conditions:
Hereditary breast ovarian cancer syndrome. Also called: Hereditary breast and/or ovarian cancer syndrome; Hereditary breast and ovarian cancer syndrome; Breast and ovarian cancer; BRCA1- and BRCA2-Associated Hereditary Breast and Ovarian Cancer; Hereditary breast and ovarian cancer; Hereditary breast and ovarian cancer syndrome (HBOC). Identifiers: Orphanet 145, MedGen C0677776, MeSH D061325, MONDO:0003582. Disease mechanism: loss of function.
Hereditary cancer-predisposing syndrome. Also called: Hereditary Cancer Syndrome; Tumor predisposition; Neoplastic Syndromes, Hereditary; Hereditary neoplastic syndrome. Identifiers: Orphanet 140162, MedGen C0027672, MeSH D009386, MONDO:0015356.

Submissions (3):

Ambry Genetics
Classification: Uncertain significance for Hereditary cancer-predisposing syndrome. Last evaluated: 2026-01-06. Review status: criteria provided, single submitter. Criteria: Ambry Variant Classification Scheme 2023. Collection method: clinical testing. Allele origin: germline.
Comment: The p.T234A variant (also known as c.700A>G), located in coding exon 9 of the BRCA1 gene, results from an A to G substitution at nucleotide position 700. The threonine at codon 234 is replaced by alanine, an amino acid with similar properties. This amino acid position is not well conserved in available vertebrate species. In addition, this alteration is predicted to be deleterious by in silico analysis. Based on the available evidence, the clinical significance of this variant remains unclear.

Labcorp Genetics (formerly Invitae), Labcorp
Classification: Uncertain significance for Hereditary breast ovarian cancer syndrome. Last evaluated: 2025-09-20. Review status: criteria provided, single submitter. Criteria: Invitae Variant Classification Sherloc (09022015). Collection method: clinical testing. Allele origin: germline.
Comment: This sequence change replaces threonine, which is neutral and polar, with alanine, which is neutral and non-polar, at codon 234 of the BRCA1 protein (p.Thr234Ala). This variant is not present in population databases (gnomAD no frequency). This variant has not been reported in the literature in individuals affected with BRCA1-related conditions. ClinVar contains an entry for this variant (Variation ID: 846722). Invitae Evidence Modeling of protein sequence and biophysical properties (such as structural, functional, and spatial information, amino acid conservation, physicochemical variation, residue mobility, and thermodynamic stability) indicates that this missense variant is not expected to disrupt BRCA1 protein function with a negative predictive value of 80%. In summary, the available evidence is currently insufficient to determine the role of this variant in disease. Therefore, it has been classified as a Variant of Uncertain Significance.

University of Washington Department of Laboratory Medicine, University of Washington
Classification: Likely benign for Hereditary cancer-predisposing syndrome. Last evaluated: 2023-03-23. Review status: criteria provided, single submitter. Criteria: Dines et al. (Genet Med. 2020). Collection method: curation. Allele origin: germline.
Comment: Missense variant in a coldspot region where missense variants are very unlikely to be pathogenic (PMID:31911673).

BRCA1 coldspot (exon 11 using historical exon numbering). Reclassification based on statistical prior probability